The following is an entry in ClinVar:

ClinVar aggregate classification (germline): Uncertain significance. Review status: criteria provided, multiple submitters, no conflicts (2 of 4 stars). 2 submissions from 2 submitters: Uncertain significance (2). Last evaluated 2024-09-06.

Conditions:
Familial cancer of breast. Also called: BREAST CANCER, FAMILIAL; hereditary breast carcinoma; Hereditary breast cancer. Identifiers: Orphanet 227535, MedGen C0346153, MONDO:0016419, OMIM 114480. Disease mechanism: loss of function.
Fanconi anemia complementation group J. Also called: BRIP1-Related Fanconi Anemia. Identifiers: Orphanet 84, MedGen C1836860, MONDO:0012187, OMIM 609054.
Hereditary cancer-predisposing syndrome. Also called: Hereditary Cancer Syndrome; Neoplastic Syndromes, Hereditary; Tumor predisposition; Hereditary neoplastic syndrome. Identifiers: Orphanet 140162, MedGen C0027672, MeSH D009386, MONDO:0015356.

Allele frequency attached by ClinVar (database versions not stated): TOPMed below 0.00001.

Submissions (2):

Ambry Genetics
Classification: Uncertain significance for Hereditary cancer-predisposing syndrome. Last evaluated: 2024-09-06. Review status: criteria provided, single submitter. Criteria: Ambry Variant Classification Scheme 2023. Collection method: clinical testing. Allele origin: germline.
Comment: The p.G569W variant (also known as c.1705G>T), located in coding exon 11 of the BRIP1 gene, results from a G to T substitution at nucleotide position 1705. The glycine at codon 569 is replaced by tryptophan, an amino acid with highly dissimilar properties. This amino acid position is not well conserved in available vertebrate species. In addition, this alteration is predicted to be tolerated by in silico analysis. Since supporting evidence is limited at this time, the clinical significance of this alteration remains unclear.

Labcorp Genetics (formerly Invitae), Labcorp
Classification: Uncertain significance for Familial cancer of breast; Fanconi anemia complementation group J. Last evaluated: 2023-02-14. Review status: criteria provided, single submitter. Criteria: Invitae Variant Classification Sherloc (09022015). Collection method: clinical testing. Allele origin: germline.
Comment: This sequence change replaces glycine, which is neutral and non-polar, with tryptophan, which is neutral and slightly polar, at codon 569 of the BRIP1 protein (p.Gly569Trp). This variant is not present in population databases (gnomAD no frequency). This variant has not been reported in the literature in individuals affected with BRIP1-related conditions. ClinVar contains an entry for this variant (Variation ID: 1345086). Advanced modeling of protein sequence and biophysical properties (such as structural, functional, and spatial information, amino acid conservation, physicochemical variation, residue mobility, and thermodynamic stability) performed at Invitae indicates that this missense variant is not expected to disrupt BRIP1 protein function. In summary, the available evidence is currently insufficient to determine the role of this variant in disease. Therefore, it has been classified as a Variant of Uncertain Significance.

NM_032043.3(BRIP1):c.1705G>T (p.Gly569Trp)

Gene: BRIP1 (BRCA1 interacting DNA helicase 1; minus strand). Cytogenetic location: 17q23.2.
Variant type: single nucleotide variant.
Coding change: c.1705G>T on transcript NM_032043.3 (MANE Select); coding-DNA position 1705, G replaced by T.
Protein change: p.Gly569Trp; replaces glycine 569 with tryptophan.
Molecular consequence: missense variant.
Genome position (GRCh38, 1-based): chr17:61,780,929, C>A on the plus strand (G>T on the coding strand, the complement: BRIP1 is on the minus strand). VCF-style: chr17-61780929-C-A. GRCh37 (hg19) VCF-style: chr17-59858290-C-A.
Other names: short protein forms G569W.
Identifiers: ClinVar variation 1345086 (VCV001345086.10), dbSNP rs1259933364, ClinGen allele CA400480421.